The following is an entry in ClinVar:

ClinVar aggregate classification (germline): Benign/Likely benign. Review status: criteria provided, multiple submitters, no conflicts (2 of 4 stars). 2 submissions from 2 submitters: Benign (1); Likely benign (1). Last evaluated 2025-11-26.

Conditions:
Menkes kinky-hair syndrome (MNK). Also called: Classic Menkes Disease; Copper transport disease; Menkes Disease. Identifiers: Orphanet 565, MedGen C0022716, MONDO:0010651, OMIM 309400.
Cutis laxa, X-linked (OHS). Also called: EDS IX; Occipital horn syndrome. Identifiers: Orphanet 198, MedGen C0268353, MONDO:0010572, OMIM 304150.
X-linked distal spinal muscular atrophy type 3. Also called: ATP7A-Related Distal Motor Neuropathy; SPINAL MUSCULAR ATROPHY, DISTAL, X-LINKED RECESSIVE; NEURONOPATHY, DISTAL HEREDITARY MOTOR, X-LINKED; NEUROPATHY, DISTAL HEREDITARY MOTOR, X-LINKED. Identifiers: Orphanet 139557, MedGen C1845359, MONDO:0010338, OMIM 300489.

Allele frequency attached by ClinVar (database versions not stated): ExAC 0.00001; gnomAD exomes 0.00001; TOPMed 0.00001; gnomAD 0.00002.
gnomAD v4.1: 19 of 1,172,720 alleles (0.0016%); highest among the groups gnomAD compares: South Asian, 0.0071%; no homozygotes.

Submissions (2):

Labcorp Genetics (formerly Invitae), Labcorp
Classification: Benign for X-linked distal spinal muscular atrophy type 3; Cutis laxa, X-linked; Menkes kinky-hair syndrome. Last evaluated: 2025-11-26. Review status: criteria provided, single submitter. Criteria: Invitae Variant Classification Sherloc (09022015). Collection method: clinical testing. Allele origin: germline.

Women's Health and Genetics/Laboratory Corporation of America, LabCorp
Classification: Likely benign. Last evaluated: 2025-05-27. Review status: criteria provided, single submitter. Criteria: LabCorp Variant Classification Summary - May 2015. Collection method: clinical testing. Allele origin: germline.
Comment: Variant summary: ATP7A c.2406+20C>T alters a non-conserved nucleotide located at a position not widely known to affect splicing. Consensus agreement among computation tools predict no significant impact on normal splicing. However, these predictions have yet to be confirmed by functional studies. The variant allele was found at a frequency of 1.1e-05 in 182686 control chromosomes. The available data on variant occurrences in the general population are insufficient to allow any conclusion about variant significance. To our knowledge, no occurrence of c.2406+20C>T in individuals affected with Menkes kinky-hair syndrome and no experimental evidence demonstrating its impact on protein function have been reported. ClinVar contains an entry for this variant (Variation ID: 2952252). Based on the evidence outlined above, the variant was classified as likely benign.

NM_000052.7(ATP7A):c.2406+20C>T

Gene: ATP7A (ATPase copper transporting alpha; plus strand). Cytogenetic location: Xq21.1.
Variant type: single nucleotide variant.
Coding change: c.2406+20C>T on transcript NM_000052.7 (MANE Select); 20 bases into the intron after coding-DNA position 2406, C replaced by T.
Molecular consequence: intron variant.
Genome position (GRCh38, 1-based): chrX:78,013,132, C>T. VCF-style: chrX-78013132-C-T. GRCh37 (hg19) VCF-style: chrX-77268629-C-T.
Other names: c.2172+1458C>T (NM_001282224.2).
Identifiers: ClinVar variation 2952252 (VCV002952252.4), dbSNP rs111558818, ClinGen allele CA10459261.